The following is an entry in ClinVar:

NM_003126.4(SPTA1):c.7199del (p.Gly2400fs)

Genes: OR10Z1 (olfactory receptor family 10 subfamily Z member 1; plus strand), SPTA1 (spectrin alpha, erythrocytic 1; minus strand). Cytogenetic location: 1q23.1.
Variant type: Deletion.
Coding change: c.7199del on transcript NM_003126.4 (MANE Select); coding-DNA position 7199, one base deleted (G; older notation c.7199delG).
Protein change: p.Gly2400fs; shifts the reading frame from glycine 2400.
Molecular consequence: frameshift variant. On other transcripts: 3 prime UTR variant (1).
Genome position (GRCh38, 1-based): chr1:158,611,325, C deleted on the plus strand (G on the coding strand, the reverse complement: SPTA1 is on the minus strand); the first of 4 consecutive C bases (chr1:158,611,325-158,611,328); deleting any one gives the same sequence. VCF-style (leftmost placement, unchanged base first): chr1-158611324-AC-A. GRCh37 (hg19) VCF-style: chr1-158581114-AC-A.
Other names: p.Gly2400Valfs*32; c.*3948del (NM_001004478.2); short protein forms G2400fs.
Identifiers: ClinVar variation 2683188 (VCV002683188.6), dbSNP rs1421435359, ClinGen allele CA889964771.

ClinVar aggregate classification (germline): Conflicting classifications of pathogenicity. Review status: criteria provided, conflicting classifications (1 of 4 stars). 5 submissions from 5 submitters: Likely pathogenic (4); Uncertain significance (1). Last evaluated 2025-07-13.

Conditions:
SPTA1-related disorder. Also called: SPTA1-related condition; SPTA1-related disorders.

Submissions (5):

Labcorp Genetics (formerly Invitae), Labcorp
Classification: Uncertain significance. Last evaluated: 2025-07-13. Review status: criteria provided, single submitter. Criteria: Invitae Variant Classification Sherloc (09022015). Collection method: clinical testing. Allele origin: germline.
Comment: This sequence change is expected to alter the c-terminus of the SPTA1 protein (p.Gly2400Valfs*32). While this is not anticipated to result in nonsense mediated decay, it is expected to disrupt the last 20 amino acid(s) of the SPTA1 protein and extend the protein by 11 additional amino acid residues. This variant is not present in population databases (gnomAD no frequency). This frameshift has been observed in individual(s) with transfusion-dependent anemia (PMID: 31038472). ClinVar contains an entry for this variant (Variation ID: 2683188). Experimental studies and prediction algorithms are not available or were not evaluated, and the functional significance of this variant is currently unknown. In summary, the available evidence is currently insufficient to determine the role of this variant in disease. Therefore, it has been classified as a Variant of Uncertain Significance.

ARUP Laboratories, Molecular Genetics and Genomics, ARUP Laboratories
Classification: Likely pathogenic. Last evaluated: 2025-02-03. Review status: criteria provided, single submitter. Criteria: ARUP Molecular Germline Variant Investigation Process 2024. Collection method: clinical testing. Allele origin: germline.
Comment: The SPTA1 c.7199del; p.Gly2400ValfsTer32 variant (rs1421435359, ClinVar Variation ID 2683188) is reported along with a second damaging SPTA1 variant in a transfusion-dependent individual suspected of recessive spherocytosis presenting with neonatal anemia and hyperbilirubinemia (Gallagher 2019). This variant is absent from the Genome Aggregation Database (v2.1.1), indicating it is not a common polymorphism. This variant results in a premature termination codon in the last exon of the SPTA1 gene. While this may not lead to nonsense-mediated decay, it is expected to create a truncated SPTA1 protein that would include a sequence of 32 amino acid residues not usually present. Based on available information, this variant is considered to be likely pathogenic. References: Gallagher PG et al. Aberrant splicing contributes to severe a-spectrin-linked congenital hemolytic anemia. J Clin Invest. 2019 Apr 30. PMID: 31038472.

PreventionGenetics, part of Exact Sciences
Classification: Likely pathogenic for SPTA1-related condition. Last evaluated: 2024-10-24. Review status: criteria provided, single submitter. Criteria: ACMG Guidelines, 2015. Collection method: clinical testing. Allele origin: germline.
Comment: The SPTA1 c.7199delG variant is predicted to result in a frameshift and premature protein termination (p.Gly2400Valfs*32). This variant is located in the last exon and predicted to result in a frameshift and protein extension p.Gly2400Valfs*32 beyond the canonical stop codon (p.2420). This variant has been reported alongside a nonsense variant in SPTA1 in a patient affected with transfusion-dependent anemia (Gallagher et al. 2019. PubMed ID: 31038472). Other nonsense and frameshift variants in this exon have been reported in affected individuals (p.Gln2394* in Nieto et al. 2022. PubMed ID: 35351432; p.Met2392Alafs*16, Table S2 in Hu et al. 2018. PubMed ID: 29095814; p.Tyr2407* in Xi et al. 2019. PubMed ID: 31145309). This variant has not been reported in a large population database (gnomAD), indicating this variant is rare. Based on the available evidence, we classify this variant as likely pathogenic.

Revvity Omics, Revvity
Classification: Likely pathogenic. Last evaluated: 2024-03-29. Review status: criteria provided, single submitter. Criteria: ACMG Guidelines, 2015. Collection method: clinical testing. Allele origin: germline.

Mayo Clinic Laboratories, Mayo Clinic
Classification: Likely pathogenic. Last evaluated: 2023-11-07. Review status: criteria provided, single submitter. Criteria: ACMG Guidelines, 2015. Collection method: clinical testing. Allele origin: germline.
Comment: PM2_moderate, PM3, PVS1_moderate

Literature cited by the submitters: PubMed 31038472 (cited by Labcorp Genetics (formerly Invitae), Labcorp and Mayo Clinic Laboratories, Mayo Clinic).